The following is an entry in ClinVar:

ClinVar aggregate classification (germline): Uncertain significance (1 of 4 stars; one submission).

Allele frequency attached by ClinVar (database versions not stated): gnomAD exomes below 0.00001.
gnomAD v4.1: 1 of 1,574,742 alleles (0.000064%); highest among the groups gnomAD compares: Admixed American, 0.0019%; no homozygotes.

Submission:

Labcorp Genetics (formerly Invitae), Labcorp
Classification: Uncertain significance. Last evaluated: 2024-03-21. Review status: criteria provided, single submitter. Criteria: Invitae Variant Classification Sherloc (09022015). Collection method: clinical testing. Allele origin: germline.
Comment: This sequence change replaces cysteine, which is neutral and slightly polar, with serine, which is neutral and polar, at codon 1025 of the XPO5 protein (p.Cys1025Ser). This variant is not present in population databases (gnomAD no frequency). This variant has not been reported in the literature in individuals affected with XPO5-related conditions. An algorithm developed to predict the effect of missense changes on protein structure and function (PolyPhen-2) suggests that this variant is likely to be tolerated. In summary, the available evidence is currently insufficient to determine the role of this variant in disease. Therefore, it has been classified as a Variant of Uncertain Significance.

NM_020750.3(XPO5):c.3074G>C (p.Cys1025Ser)

Genes: POLR1C (RNA polymerase I and III subunit C; plus strand), XPO5 (exportin 5; minus strand). Cytogenetic location: 6p21.1.
Variant type: single nucleotide variant.
Coding change: c.3074G>C on transcript NM_020750.3 (MANE Select); coding-DNA position 3074, G replaced by C.
Protein change: p.Cys1025Ser; replaces cysteine 1025 with serine.
Molecular consequence: missense variant. On other transcripts: non-coding transcript variant (1), intron variant (2).
Genome position (GRCh38, 1-based): chr6:43,525,207, C>G on the plus strand (G>C on the coding strand, the complement: XPO5 is on the minus strand). VCF-style: chr6-43525207-C-G. GRCh37 (hg19) VCF-style: chr6-43492945-C-G.
Other names: c.922+4159C>G (NM_001363658.2); c.923-4042C>G (NM_001318876.2); short protein forms C1025S.
Identifiers: ClinVar variation 2963605 (VCV002963605.3), dbSNP rs1462686646, ClinGen allele CA364288767.
Genomic context (GRCh38, chr6:43,525,207, plus strand): 5'-TGGCAGGACAGAGTATCTTTCCAGGCCAGGGAATTGAAGGCTGTAATTAATAGCGCTGTA[C>G]AAACATCCTGAACAGGAAAAGATGAAGAGTTACAATGGAAAAAGAAGCACAGTTTTCTCT-3'
Protein context (NP_065801.1, residues 1015-1035): GKCLMKHEDV[Cys1025Ser]TALLITAFNS